The following is an entry in ClinVar:

ClinVar aggregate classification (germline): Likely pathogenic (1 of 4 stars; one submission).

Submission:

Baylor Genetics
Classification: Likely pathogenic. Last evaluated: 2018-11-01. Review status: criteria provided, single submitter. Criteria: ACMG CNV Guidelines, 2011. Collection method: clinical testing. Allele origin: germline. Observed: 1 variant allele.

GRCh37/hg19 5q35.3(chr5:177776148-180687012)

Genes: ADAMTS2 (ADAM metallopeptidase with thrombospondin type 1 motif 2; minus strand), BTNL3 (butyrophilin like 3; plus strand), BTNL8 (butyrophilin like 8; plus strand), BTNL9 (butyrophilin like 9; plus strand), CANX (calnexin; plus strand) and 40 more. Cytogenetic location: 5q35.3.
Variant type: copy number loss.
Identifiers: ClinVar variation 625655 (VCV000625655.1).